The following is an entry in ClinVar:

NM_024494.3(WNT2B):c.67C>T (p.Pro23Ser)

Genes: WNT2B (Wnt family member 2B; plus strand), LOC122094899 (Sharpr-MPRA regulatory region 8072; plus strand). Cytogenetic location: 1p13.2.
Variant type: single nucleotide variant.
Coding change: c.67C>T on transcript NM_024494.3 (MANE Select); coding-DNA position 67, C replaced by T.
Protein change: p.Pro23Ser; replaces proline 23 with serine.
Molecular consequence: missense variant. On other transcripts: intron variant (2).
Genome position (GRCh38, 1-based): chr1:112,509,329, C>T. VCF-style: chr1-112509329-C-T. GRCh37 (hg19) VCF-style: chr1-113051951-C-T.
Other names: c.126-5545C>T (NM_004185.4); c.-94-5545C>T (NM_001291880.1); c.67C>T (NM_024494.2); short protein forms P23S.
Identifiers: ClinVar variation 1977262 (VCV001977262.4), dbSNP rs564238232, ClinGen allele CA1008165.

ClinVar aggregate classification (germline): Uncertain significance. Review status: criteria provided, multiple submitters, no conflicts (2 of 4 stars). 2 submissions from 2 submitters: Uncertain significance (2). Last evaluated 2025-08-15.

Allele frequency attached by ClinVar (database versions not stated): gnomAD 0.00004; TOPMed 0.00005; 1000 Genomes Project 0.00020; ExAC 0.00005; 1000 Genomes Project 30x 0.00016.
gnomAD v4.1: 8 of 1,587,296 alleles (0.0005%); highest among the groups gnomAD compares: African/African-American, 0.0095%; no homozygotes.

Submissions (2):

Labcorp Genetics (formerly Invitae), Labcorp
Classification: Uncertain significance. Last evaluated: 2025-08-15. Review status: criteria provided, single submitter. Criteria: Invitae Variant Classification Sherloc (09022015). Collection method: clinical testing. Allele origin: germline.
Comment: This sequence change replaces proline, which is neutral and non-polar, with serine, which is neutral and polar, at codon 23 of the WNT2B protein (p.Pro23Ser). This variant is present in population databases (rs564238232, gnomAD 0.02%). This variant has not been reported in the literature in individuals affected with WNT2B-related conditions. ClinVar contains an entry for this variant (Variation ID: 1977262). An algorithm developed to predict the effect of missense changes on protein structure and function outputs the following: PolyPhen-2: "Possibly Damaging". The serine amino acid residue is found in multiple mammalian species, which suggests that this missense change does not adversely affect protein function. In summary, the available evidence is currently insufficient to determine the role of this variant in disease. Therefore, it has been classified as a Variant of Uncertain Significance.

Ambry Genetics
Classification: Uncertain significance. Last evaluated: 2023-10-17. Review status: criteria provided, single submitter. Criteria: Ambry Variant Classification Scheme 2023. Collection method: clinical testing. Allele origin: germline.